The following is an entry in ClinVar:

NM_144596.4(TTC8):c.405G>A (p.Met135Ile)

Gene: TTC8 (tetratricopeptide repeat domain 8; plus strand). Cytogenetic location: 14q31.3.
Variant type: single nucleotide variant.
Coding change: c.405G>A on transcript NM_144596.4 (MANE Select); coding-DNA position 405, G replaced by A.
Protein change: p.Met135Ile; replaces methionine 135 with isoleucine.
Molecular consequence: missense variant. On other transcripts: 5 prime UTR variant (2), non-coding transcript variant (1).
Genome position (GRCh38, 1-based): chr14:88,841,112, G>A. VCF-style: chr14-88841112-G-A. GRCh37 (hg19) VCF-style: chr14-89307456-G-A.
Other names: c.375G>A, p.Met125Ile (NM_001288781.1, NM_001366535.2, NM_001366536.2 and 2 more transcripts); c.-188G>A (NM_001288782.1); c.-283G>A (NM_001288783.1); short protein forms M125I, M135I.
Identifiers: ClinVar variation 4982356 (VCV004982356.1).

ClinVar aggregate classification (germline): Uncertain significance (1 of 4 stars; one submission).

Conditions:
TTC8-related disorder. Also called: TTC8-related condition.

Submission:

PreventionGenetics, part of Exact Sciences
Classification: Uncertain significance for TTC8-related condition. Last evaluated: 2026-01-04. Review status: criteria provided, single submitter. Criteria: ACMG Guidelines, 2015. Collection method: clinical testing. Allele origin: germline.
Comment: The TTC8 c.405G>A variant is predicted to result in the amino acid substitution p.Met135Ile. This variant was documented in the heterozygous state in an individual from a Bardet-Biedl Syndrome cohort that also had a homozygous BBS3 variant (Chen et al. 2011. PubMed ID: 21642631). This variant has not been reported in a large population database (gnomAD), indicating this variant is rare. At this time, the clinical significance of this variant is uncertain due to the absence of conclusive functional and genetic evidence.